The following is an entry in ClinVar:

ClinVar aggregate classification (germline): Uncertain significance. Review status: criteria provided, multiple submitters, no conflicts (2 of 4 stars). 2 submissions from 2 submitters: Uncertain significance (2). Last evaluated 2026-03-18.

Submissions (2):

GeneDx
Classification: Uncertain significance. Last evaluated: 2026-03-18. Review status: criteria provided, single submitter. Criteria: GeneDx Variant Classification Process June 2021. Collection method: clinical testing. Allele origin: germline.
Comment: Not observed at significant frequency in large population cohorts (gnomAD); In silico analysis supports that this missense variant has a deleterious effect on protein structure/function; Has not been previously published as pathogenic or benign to our knowledge; This variant is associated with the following publications: (PMID: 25307992, 30825406)

Labcorp Genetics (formerly Invitae), Labcorp
Classification: Uncertain significance. Last evaluated: 2022-02-05. Review status: criteria provided, single submitter. Criteria: Invitae Variant Classification Sherloc (09022015). Collection method: clinical testing. Allele origin: germline.
Comment: In summary, the available evidence is currently insufficient to determine the role of this variant in disease. Therefore, it has been classified as a Variant of Uncertain Significance. This sequence change replaces glycine, which is neutral and non-polar, with arginine, which is basic and polar, at codon 1494 of the CACNA1F protein (p.Gly1494Arg). Algorithms developed to predict the effect of missense changes on protein structure and function (SIFT, PolyPhen-2, Align-GVGD) all suggest that this variant is likely to be disruptive. This variant is also known as p.Gly1483Arg. This missense change has been observed in individuals with congenital stationary night blindness (PMID: 25307992, 30825406). This variant is not present in population databases (gnomAD no frequency).

Literature cited by the submitters: PubMed 25307992 (cited by Labcorp Genetics (formerly Invitae), Labcorp); PubMed 30825406 (cited by Labcorp Genetics (formerly Invitae), Labcorp).

NM_001256789.3(CACNA1F):c.4447G>C (p.Gly1483Arg)

Gene: CACNA1F (calcium voltage-gated channel subunit alpha1 F; minus strand). Cytogenetic location: Xp11.23.
Variant type: single nucleotide variant.
Coding change: c.4447G>C on transcript NM_001256789.3 (MANE Select); coding-DNA position 4447, G replaced by C.
Protein change: p.Gly1483Arg; replaces glycine 1483 with arginine.
Molecular consequence: missense variant.
Genome position (GRCh38, 1-based): chrX:49,210,628, C>G on the plus strand (G>C on the coding strand, the complement: CACNA1F is on the minus strand). VCF-style: chrX-49210628-C-G. GRCh37 (hg19) VCF-style: chrX-49067088-C-G.
Other names: c.4285G>C, p.Gly1429Arg (NM_001256790.3); c.4480G>C, p.Gly1494Arg (NM_005183.4); c.4480G>C (NM_005183.2); short protein forms G1483R, G1429R, G1494R.
Identifiers: ClinVar variation 1916865 (VCV001916865.6), dbSNP rs2520774027, ClinGen allele CA412961000.